The following is an entry in ClinVar:

NM_006208.3(ENPP1):c.2335A>C (p.Thr779Pro)

Gene: ENPP1 (ectonucleotide pyrophosphatase/phosphodiesterase 1; plus strand). Cytogenetic location: 6q23.2.
Variant type: single nucleotide variant.
Coding change: c.2335A>C on transcript NM_006208.3 (MANE Select); coding-DNA position 2335, A replaced by C.
Protein change: p.Thr779Pro; replaces threonine 779 with proline.
Molecular consequence: missense variant.
Genome position (GRCh38, 1-based): chr6:131,884,954, A>C. VCF-style: chr6-131884954-A-C. GRCh37 (hg19) VCF-style: chr6-132206094-A-C.
Other names: short protein forms T779P.
Identifiers: ClinVar variation 284854 (VCV000284854.22), dbSNP rs1805138, ClinGen allele CA4002508.

ClinVar aggregate classification (germline): Benign/Likely benign. Review status: criteria provided, multiple submitters, no conflicts (2 of 4 stars). 7 submissions from 6 submitters: Benign (5); Likely benign (1). 1 of the submissions does not count toward it. Last evaluated 2026-09-01.

Conditions:
ENPP1-related disorder. Also called: ENPP1-related condition; ENPP1-related disorders.
Hypophosphatemic rickets, autosomal recessive, 2 (ARHR2). Identifiers: Orphanet 289176, MedGen C2750078, MONDO:0013219, OMIM 613312.
Arterial calcification, generalized, of infancy, 1 (GACI1). Also called: Idiopathic Infantile Arterial Calcification. Identifiers: Orphanet 51608, MedGen C4551985, MONDO:0008817, OMIM 208000.

Allele frequency attached by ClinVar (database versions not stated): gnomAD 0.00076 and 0.00110; gnomAD exomes 0.00100 and 0.00244; TOPMed 0.00134; ExAC 0.00258; 1000 Genomes Project 0.00439; 1000 Genomes Project 30x 0.00453.
gnomAD v4.1: 1,699 of 1,614,050 alleles (0.11%); highest among the groups gnomAD compares: East Asian, 3%; 29 homozygotes.

Submissions (7):

CeGaT Center for Human Genetics Tuebingen
Classification: Benign. Last evaluated: 2026-09-01. Review status: criteria provided, single submitter. Criteria: CeGaT Center For Human Genetics Tuebingen Variant Classification Criteria Version 2. Collection method: clinical testing. Allele origin: germline. Affected: yes. Observed: 1 variant allele.
Comment: ENPP1: BP4, BS1, BS2

Labcorp Genetics (formerly Invitae), Labcorp
Classification: Benign. Last evaluated: 2026-01-24. Review status: criteria provided, single submitter. Criteria: Invitae Variant Classification Sherloc (09022015). Collection method: clinical testing. Allele origin: germline.

Blueprint Genetics
Classification: Likely benign. Last evaluated: 2024-11-22. Review status: criteria provided, single submitter. Criteria: ACMG Guidelines, 2015. Collection method: clinical testing. Allele origin: germline.

Illumina Laboratory Services, Illumina
Classification: Benign for Arterial calcification, generalized, of infancy, 1. Last evaluated: 2018-01-13. Review status: criteria provided, single submitter. Criteria: ICSL Variant Classification Criteria 13 December 2019. Collection method: clinical testing. Allele origin: germline.
Comment: This variant was observed in the ICSL laboratory as part of a predisposition screen in an ostensibly healthy population. It had not been previously curated by ICSL or reported in the Human Gene Mutation Database (HGMD: prior to June 1st, 2018), and was therefore a candidate for classification through an automated scoring system. Utilizing variant allele frequency, disease prevalence and penetrance estimates, and inheritance mode, an automated score was calculated to assess if this variant is too frequent to cause the disease. Based on the score and internal cut-off values, a variant classified as benign is not then subjected to further curation. The score for this variant resulted in a classification of benign for this disease.

Illumina Laboratory Services, Illumina
Classification: Benign for Hypophosphatemic rickets, autosomal recessive, 2. Last evaluated: 2018-01-13. Review status: criteria provided, single submitter. Criteria: ICSL Variant Classification Criteria 13 December 2019. Collection method: clinical testing. Allele origin: germline.
Comment: the same text as in the submission from Illumina Laboratory Services, Illumina above.

Eurofins Ntd Llc (ga)
Classification: Benign. Last evaluated: 2015-12-07. Review status: criteria provided, single submitter. Criteria: EGL Classification Definitions 2015. Collection method: clinical testing. Allele origin: germline. Observed: 1 variant allele, 1 heterozygote.

PreventionGenetics, part of Exact Sciences
Classification: Benign for ENPP1-related condition. Last evaluated: 2019-06-27. Review status: no assertion criteria provided. Collection method: clinical testing. Allele origin: germline. Not counted in ClinVar's aggregate classification.
Comment: This variant is classified as benign based on ACMG/AMP sequence variant interpretation guidelines (Richards et al. 2015 PMID: 25741868, with internal and published modifications).